The following is an entry in ClinVar:

ClinVar aggregate classification (germline): Uncertain significance (1 of 4 stars; one submission).

gnomAD v4.1: 1 of 1,595,210 alleles (0.000063%); highest among the groups gnomAD compares: South Asian, 0.0011%; no homozygotes.

Submission:

GeneDx
Classification: Uncertain significance. Last evaluated: 2024-08-13. Review status: criteria provided, single submitter. Criteria: GeneDx Variant Classification Process June 2021. Collection method: clinical testing. Allele origin: germline. Affected: yes.
Comment: Not observed at significant frequency in large population cohorts (gnomAD); In silico analysis indicates that this missense variant does not alter protein structure/function; Has not been previously published as pathogenic or benign to our knowledge

NM_018082.6(POLR3B):c.250C>T (p.Leu84Phe)

Gene: POLR3B (RNA polymerase III subunit B; plus strand). Cytogenetic location: 12q23.3.
Variant type: single nucleotide variant.
Coding change: c.250C>T on transcript NM_018082.6 (MANE Select); coding-DNA position 250, C replaced by T.
Protein change: p.Leu84Phe; replaces leucine 84 with phenylalanine.
Molecular consequence: missense variant.
Genome position (GRCh38, 1-based): chr12:106,369,297, C>T. VCF-style: chr12-106369297-C-T. GRCh37 (hg19) VCF-style: chr12-106763075-C-T.
Other names: c.76C>T, p.Leu26Phe (NM_001160708.2); short protein forms L26F, L84F.
Identifiers: ClinVar variation 3731039 (VCV003731039.1).
Genomic context (GRCh38, chr12:106,369,297, plus strand): 5'-AAGAAGTATAATTCATACCGCACTAATTTGCTTTTCAGATATCTTAATATCTATGTTGGG[C>T]TTCCTGATGTTGAAGAAAGCTTCAATGTAACTAGACCAGTGTCCCCTCATGAGGTAATTA-3'
Protein context (NP_060552.4, residues 74-94): YLKYLNIYVG[Leu84Phe]PDVEESFNVT